The following is an entry in ClinVar:

ClinVar aggregate classification (germline): Likely benign (1 of 4 stars; one submission).

Allele frequency attached by ClinVar (database versions not stated): gnomAD exomes 0.00005; gnomAD 0.00008; ExAC 0.00009; TOPMed 0.00009; 1000 Genomes Project 30x 0.00031; 1000 Genomes Project 0.00040.

Submission:

CeGaT Center for Human Genetics Tuebingen
Classification: Likely benign. Last evaluated: 2024-03-01. Review status: criteria provided, single submitter. Criteria: CeGaT Center For Human Genetics Tuebingen Variant Classification Criteria Version 2. Collection method: clinical testing. Allele origin: germline. Affected: yes. Observed: 1 variant allele.
Comment: NTNG2: BP4, BP7

NM_032536.4(NTNG2):c.657C>T (p.Phe219=)

Gene: NTNG2 (netrin G2; plus strand). Cytogenetic location: 9q34.13.
Variant type: single nucleotide variant.
Coding change: c.657C>T on transcript NM_032536.4 (MANE Select); coding-DNA position 657, C replaced by T.
Protein change: p.Phe219=; no amino-acid change (phenylalanine 219 retained).
Molecular consequence: synonymous variant.
Genome position (GRCh38, 1-based): chr9:132,198,409, C>T. VCF-style: chr9-132198409-C-T. GRCh37 (hg19) VCF-style: chr9-135073796-C-T.
Identifiers: ClinVar variation 3067256 (VCV003067256.21), dbSNP rs562591810, ClinGen allele CA5295967.